The following is an entry in ClinVar:

ClinVar aggregate classification (germline): Uncertain significance (1 of 4 stars; one submission).

Conditions:
Hereditary cancer-predisposing syndrome. Also called: Neoplastic Syndromes, Hereditary; Tumor predisposition; Hereditary neoplastic syndrome; Hereditary Cancer Syndrome. Identifiers: Orphanet 140162, MedGen C0027672, MeSH D009386, MONDO:0015356.

Submission:

Ambry Genetics
Classification: Uncertain significance for Hereditary cancer-predisposing syndrome. Last evaluated: 2026-07-06. Review status: criteria provided, single submitter. Criteria: Ambry Variant Classification Scheme 2023. Collection method: clinical testing. Allele origin: germline.
Comment: The p.T191R variant (also known as c.572C>G), located in coding exon 3 of the TMEM127 gene, results from a C to G substitution at nucleotide position 572. The threonine at codon 191 is replaced by arginine, an amino acid with similar properties. This amino acid position is conserved. In addition, this alteration is predicted to be deleterious by in silico analysis. Based on the available evidence, the clinical significance of this variant remains unclear.

NM_017849.4(TMEM127):c.572C>G (p.Thr191Arg)

Gene: TMEM127 (transmembrane protein 127; minus strand). Cytogenetic location: 2q11.2.
Variant type: single nucleotide variant.
Coding change: c.572C>G on transcript NM_017849.4 (MANE Select); coding-DNA position 572, C replaced by G.
Protein change: p.Thr191Arg; replaces threonine 191 with arginine.
Molecular consequence: missense variant.
Genome position (GRCh38, 1-based): chr2:96,253,953, G>C on the plus strand (C>G on the coding strand, the complement: TMEM127 is on the minus strand). VCF-style: chr2-96253953-G-C. GRCh37 (hg19) VCF-style: chr2-96919691-G-C.
Other names: c.572C>G, p.Thr191Arg (NM_001193304.3); c.320C>G, p.Thr107Arg (NM_001407282.1, NM_001407283.1); short protein forms T107R, T191R.
Identifiers: ClinVar variation 5030904 (VCV005030904.1).